The following is an entry in ClinVar:

ClinVar aggregate classification (germline): Uncertain significance (1 of 4 stars; one submission).

Conditions:
DIS3L2-related disorder. Also called: DIS3L2-related condition.

Allele frequency attached by ClinVar (database versions not stated): TOPMed 0.00003; gnomAD 0.00001.
gnomAD v4.1: 31 of 1,555,884 alleles (0.002%); highest among the groups gnomAD compares: Non-Finnish European, 0.0027%; no homozygotes.

Submission:

PreventionGenetics, part of Exact Sciences
Classification: Uncertain significance for DIS3L2-related condition. Last evaluated: 2023-06-13. Review status: criteria provided, single submitter. Criteria: ACMG Guidelines, 2015. Collection method: clinical testing. Allele origin: germline.
Comment: The DIS3L2 c.1691G>T variant is predicted to result in the amino acid substitution p.Gly564Val. This variant is also referred to as c.*6824G>T in the canonical transcript (NM_152383.4). To our knowledge, this variant has not been reported in the literature. This variant is reported in 0.0016% of alleles in individuals of European (Non-Finnish) descent in gnomAD. At this time, the clinical significance of this variant is uncertain due to the absence of conclusive functional and genetic evidence.

NM_001257281.2(DIS3L2):c.1691G>T (p.Gly564Val)

Gene: DIS3L2 (DIS3 like 3'-5' exoribonuclease 2; plus strand). Cytogenetic location: 2q37.1.
Variant type: single nucleotide variant.
Coding change: c.1691G>T on transcript NM_001257281.2; coding-DNA position 1691, G replaced by T.
Protein change: p.Gly564Val; replaces glycine 564 with valine.
Molecular consequence: missense variant.
Genome position (GRCh38, 1-based): chr2:232,343,454, G>T. VCF-style: chr2-232343454-G-T. GRCh37 (hg19) VCF-style: chr2-233208164-G-T.
Other names: short protein forms G564V.
Identifiers: ClinVar variation 2629306 (VCV002629306.1), dbSNP rs751199220, ClinGen allele CA2164751.
Genomic context (GRCh38, chr2:232,343,454, plus strand): 5'-CCTCTGCTGAAGATGCAGAAGCACAGCCCTCCACAGAGGAACGCCTGCCTGAGACTCGGG[G>T]CATATGTGACAGGGATCCAGACACACGACTGTTTTTCCTTCAGCAACAGAGCCGTGTATT-3'